The following is an entry in ClinVar:

ClinVar aggregate classification (germline): Conflicting classifications of pathogenicity. Review status: criteria provided, conflicting classifications (1 of 4 stars). 2 submissions from 2 submitters: Uncertain significance (1); Likely benign (1). Last evaluated 2026-02-26.

Conditions:
Rubinstein-Taybi syndrome (RSTS). Identifiers: Orphanet 783, MedGen C0035934, MONDO:0019188.
CREBBP-related disorder. Also called: CREBBP-related condition; CREBBP-related disorders.

gnomAD v4.1: 48 of 1,612,732 alleles (0.003%); highest among the groups gnomAD compares: Non-Finnish European, 0.0038%; no homozygotes.

Submissions (2):

PreventionGenetics, part of Exact Sciences
Classification: Uncertain significance for CREBBP-related condition. Last evaluated: 2026-02-26. Review status: criteria provided, single submitter. Criteria: ACMG Guidelines, 2015. Collection method: clinical testing. Allele origin: germline.
Comment: The CREBBP c.6677C>G variant is predicted to result in the amino acid substitution p.Ala2226Gly. To our knowledge, this variant has not been reported in the literature. This variant is reported in 0.00093% of alleles in individuals of European (Non-Finnish) descent in gnomAD. At this time, the clinical significance of this variant is uncertain due to the absence of conclusive functional and genetic evidence.

Labcorp Genetics (formerly Invitae), Labcorp
Classification: Likely benign for Rubinstein-Taybi syndrome. Last evaluated: 2025-02-03. Review status: criteria provided, single submitter. Criteria: Invitae Variant Classification Sherloc (09022015). Collection method: clinical testing. Allele origin: germline.

NM_004380.3(CREBBP):c.6677C>G (p.Ala2226Gly)

Gene: CREBBP (CREB binding lysine acetyltransferase; minus strand). Cytogenetic location: 16p13.3.
Variant type: single nucleotide variant.
Coding change: c.6677C>G on transcript NM_004380.3 (MANE Select); coding-DNA position 6677, C replaced by G.
Protein change: p.Ala2226Gly; replaces alanine 2226 with glycine.
Molecular consequence: missense variant.
Genome position (GRCh38, 1-based): chr16:3,728,370, G>C on the plus strand (C>G on the coding strand, the complement: CREBBP is on the minus strand). VCF-style: chr16-3728370-G-C. GRCh37 (hg19) VCF-style: chr16-3778371-G-C.
Other names: c.6677C>G (NM_004380.2); c.6563C>G, p.Ala2188Gly (NM_001079846.1); short protein forms A2226G, A2188G.
Identifiers: ClinVar variation 4747663 (VCV004747663.2).